The following is an entry in ClinVar:

NM_015662.3(IFT172):c.1394T>C (p.Ile465Thr)

Gene: IFT172 (intraflagellar transport 172; minus strand). Cytogenetic location: 2p23.3.
Variant type: single nucleotide variant.
Coding change: c.1394T>C on transcript NM_015662.3 (MANE Select); coding-DNA position 1394, T replaced by C.
Protein change: p.Ile465Thr; replaces isoleucine 465 with threonine.
Molecular consequence: missense variant.
Genome position (GRCh38, 1-based): chr2:27,476,658, A>G on the plus strand (T>C on the coding strand, the complement: IFT172 is on the minus strand). VCF-style: chr2-27476658-A-G. GRCh37 (hg19) VCF-style: chr2-27699525-A-G.
Other names: c.1394T>C (NM_015662.2); c.1394T>C, p.Ile465Thr (NM_001410739.1); short protein forms I465T.
Identifiers: ClinVar variation 4954357 (VCV004954357.2).
Genomic context (GRCh38, chr2:27,476,658, plus strand): 5'-AACATCTATTTTGTTATTAAAATTATGAGAGAGTCTTACTCACCTATAGCAATAGTCTTA[A>G]TATCAATAAGATAAGCCAATTTCTTATTATCTTCTGTTCCTCGCTGACACCTCTCATTAA-3'
Protein context (NP_056477.1, residues 455-475): DNKKLAYLID[Ile465Thr]KTIAIVDLIG

ClinVar aggregate classification (germline): Uncertain significance. Review status: criteria provided, multiple submitters, no conflicts (2 of 4 stars). 2 submissions from 2 submitters: Uncertain significance (2). Last evaluated 2025-10-20.

Conditions:
IFT172-related disorder. Also called: IFT172-related condition; IFT172-related disorders.

gnomAD v4.1: 8 of 1,590,452 alleles (0.0005%); highest among the groups gnomAD compares: Non-Finnish European, 0.00069%; no homozygotes.

Submissions (2):

PreventionGenetics, part of Exact Sciences
Classification: Uncertain significance for IFT172-related condition. Last evaluated: 2025-10-20. Review status: criteria provided, single submitter. Criteria: ACMG Guidelines, 2015. Collection method: clinical testing. Allele origin: germline.
Comment: The IFT172 c.1394T>C variant is predicted to result in the amino acid substitution p.Ile465Thr. To our knowledge, this variant has not been reported in the literature or in a large population database (gnomAD), indicating this variant is rare. At this time, the clinical significance of this variant is uncertain due to the absence of conclusive functional and genetic evidence.

Blueprint Genetics
Classification: Uncertain significance. Last evaluated: 2019-11-20. Review status: criteria provided, single submitter. Criteria: ACMG Guidelines, 2015. Collection method: clinical testing. Allele origin: germline.